The following is an entry in ClinVar:

NM_000381.4(MID1):c.1655+1G>A

Gene: MID1 (midline 1; minus strand). Cytogenetic location: Xp22.2.
Variant type: single nucleotide variant.
Coding change: c.1655+1G>A on transcript NM_000381.4 (MANE Select); the canonical splice donor site of the intron after coding-DNA position 1655, G replaced by A.
Molecular consequence: splice donor variant.
Genome position (GRCh38, 1-based): chrX:10,454,869, C>T on the plus strand (G>A on the coding strand, the complement: MID1 is on the minus strand). VCF-style: chrX-10454869-C-T. GRCh37 (hg19) VCF-style: chrX-10422909-C-T.
Other names: c.1655+1G>A (NM_033290.4, NM_001098624.2, NM_001347733.2 and 1 more transcripts); c.1541+1G>A (NM_033289.2).
Identifiers: ClinVar variation 981742 (VCV000981742.3), dbSNP rs1928556991, ClinGen allele CA412050566.
Genomic context (GRCh38, chrX:10,454,869, plus strand): 5'-CTAAGTACAGAATGAGATGTGCCTTTTTATAACTGCAGGACAATAGAAATAAGTTGCTTA[C>T]CATGTGCTTCCACTTATGACCACTTCCCAATAATGCCGGCCACTATCAATAAACACATTT-3'

ClinVar aggregate classification (germline): Likely pathogenic. Review status: criteria provided, single submitter (1 of 4 stars). 2 submissions from 2 submitters: Likely pathogenic (1). 1 of the submissions does not count toward it. Last evaluated 2026-03-12.

Conditions:
X-linked Opitz G/BBB syndrome (GBBB). Also called: Opitz-Frias syndrome; OPITZ BBBG SYNDROME, TYPE I; OPITZ SYNDROME, X-LINKED; OPITZ-G SYNDROME, TYPE I; MID1-Related Opitz G/BBB Syndrome. Identifiers: Orphanet 2745, MedGen C2936904, MONDO:0010222, OMIM 300000.

Submissions (2):

MVZ Praenatalmedizin und Genetik Nuernberg
Classification: Likely pathogenic for X-linked Opitz G/BBB syndrome. Last evaluated: 2026-03-12. Review status: criteria provided, single submitter. Criteria: ACMG Guidelines, 2015. Collection method: clinical testing. Allele origin: maternal. Affected: yes.
Comment: The variant is listed once in the ClinVar database as likely pathogenic. The variant affects the highly conserved splice consensus sequence, and accordingly, computational predictions (in silico) consistently indicate a possible pathogenicity of the variant. However, functional analyses are not yet available. A literature search did not yield any additional information. In summary, based on the current data, we assess this to be a likely pathogenic variant.

Autoinflammatory diseases unit, CHU de Montpellier
Classification: Likely pathogenic for X-linked Opitz G/BBB syndrome. Last evaluated: 2020-01-14. Review status: no assertion criteria provided. Collection method: clinical testing. Allele origin: inherited. Affected: yes. Not counted in ClinVar's aggregate classification.